The following is an entry in ClinVar:

ClinVar aggregate classification (germline): Uncertain significance (1 of 4 stars; one submission).

Conditions:
Inborn genetic diseases. Identifiers: MedGen C0950123, MeSH D030342.

Allele frequency attached by ClinVar (database versions not stated): gnomAD 0.00001; ExAC 0.00001; TOPMed 0.00002; gnomAD exomes below 0.00001.
gnomAD v4.1: 8 of 1,614,018 alleles (0.0005%); highest among the groups gnomAD compares: Admixed American, 0.0017%; no homozygotes.

Submission:

Ambry Genetics
Classification: Uncertain significance for Inborn genetic diseases. Last evaluated: 2026-03-19. Review status: criteria provided, single submitter. Criteria: Ambry Variant Classification Scheme 2023. Collection method: clinical testing. Allele origin: germline.
Comment: The c.4528G>C (p.V1510L) alteration is located in exon 30 (coding exon 30) of the CHD5 gene. This alteration results from a G to C substitution at nucleotide position 4528, causing the valine (V) at amino acid position 1510 to be replaced by a leucine (L). Based on data from gnomAD, the C allele has an overall frequency of 0.001% (2/250654) total alleles studied. The highest observed frequency was 0.006% (2/34548) of Latino alleles. Based on insufficient or conflicting evidence, the clinical significance of this alteration remains unclear.

NM_015557.3(CHD5):c.4528G>C (p.Val1510Leu)

Gene: CHD5 (chromodomain helicase DNA binding protein 5; minus strand). Cytogenetic location: 1p36.31.
Variant type: single nucleotide variant.
Coding change: c.4528G>C on transcript NM_015557.3 (MANE Select); coding-DNA position 4528, G replaced by C.
Protein change: p.Val1510Leu; replaces valine 1510 with leucine.
Molecular consequence: missense variant.
Genome position (GRCh38, 1-based): chr1:6,124,528, C>G on the plus strand (G>C on the coding strand, the complement: CHD5 is on the minus strand). VCF-style: chr1-6124528-C-G. GRCh37 (hg19) VCF-style: chr1-6184588-C-G.
Other names: short protein forms V1510L.
Identifiers: ClinVar variation 2411464 (VCV002411464.3), dbSNP rs758887148, ClinGen allele CA556138.
Genomic context (GRCh38, chr1:6,124,528, plus strand): 5'-GAGCCCAGGCAGCCACCAGGAAGGGCCCTACAGAGAGTTACTCACCCACCTTCTTCCTAA[C>G]TAGTGACATGACCCCGATGCGGGTCAGCACGTGCTGCCTGGAGAGGCCCTCCCGGGGCAC-3'
Protein context (NP_056372.1, residues 1500-1520): VLTRIGVMSL[Val1510Leu]RKKVQEFEHV